The following is an entry in ClinVar:

ClinVar aggregate classification (germline): Uncertain significance (1 of 4 stars; one submission).

Conditions:
Xeroderma pigmentosum, group F (XPF). Also called: XERODERMA PIGMENTOSUM, COMPLEMENTATION GROUP F; XERODERMA PIGMENTOSUM VI; XP, GROUP F; ERCC4-Related Xeroderma Pigmentosum; XERODERMA PIGMENTOSUM, TYPE F; Xeroderma pigmentosum, type 6. Identifiers: MedGen C0268140, MONDO:0010215, OMIM 278760.
Fanconi anemia complementation group Q. Identifiers: Orphanet 84, MedGen C3808988, MONDO:0014108, OMIM 615272.
Cockayne syndrome. Identifiers: Orphanet 191, MedGen C0009207, MONDO:0016006.

gnomAD v4.1: 11 of 1,612,504 alleles (0.00068%); highest among the groups gnomAD compares: Non-Finnish European, 0.00093%; no homozygotes.

Submission:

Labcorp Genetics (formerly Invitae), Labcorp
Classification: Uncertain significance for Fanconi anemia complementation group Q; Xeroderma pigmentosum, group F; Cockayne syndrome. Last evaluated: 2026-01-13. Review status: criteria provided, single submitter. Criteria: Invitae Variant Classification Sherloc (09022015). Collection method: clinical testing. Allele origin: germline.
Comment: This sequence change replaces leucine, which is neutral and non-polar, with valine, which is neutral and non-polar, at codon 230 of the ERCC4 protein (p.Leu230Val). This variant is not present in population databases (gnomAD no frequency). This variant has not been reported in the literature in individuals affected with ERCC4-related conditions. Invitae Evidence Modeling of protein sequence and biophysical properties (such as structural, functional, and spatial information, amino acid conservation, physicochemical variation, residue mobility, and thermodynamic stability) indicates that this missense variant is not expected to disrupt ERCC4 protein function with a negative predictive value of 80%. In summary, the available evidence is currently insufficient to determine the role of this variant in disease. Therefore, it has been classified as a Variant of Uncertain Significance.

NM_005236.3(ERCC4):c.688C>G (p.Leu230Val)

Gene: ERCC4 (ERCC excision repair 4, endonuclease catalytic subunit; plus strand). Cytogenetic location: 16p13.12.
Variant type: single nucleotide variant.
Coding change: c.688C>G on transcript NM_005236.3 (MANE Select); coding-DNA position 688, C replaced by G.
Protein change: p.Leu230Val; replaces leucine 230 with valine.
Molecular consequence: missense variant.
Genome position (GRCh38, 1-based): chr16:13,928,131, C>G. VCF-style: chr16-13928131-C-G. GRCh37 (hg19) VCF-style: chr16-14021988-C-G.
Other names: short protein forms L230V.
Identifiers: ClinVar variation 4791071 (VCV004791071.1).